The following is an entry in ClinVar:

ClinVar aggregate classification (germline): Likely benign. Review status: criteria provided, single submitter (1 of 4 stars). 2 submissions from 2 submitters: Likely benign (1). 1 of the submissions does not count toward it. Last evaluated 2024-07-23.

Conditions:
Neurofibromatosis, type 1 (NF1). Also called: Peripheral type neurofibromatosis; NEUROFIBROMATOSIS, TYPE I, SOMATIC; Neurofibromatosis, type I; VON RECKLINGHAUSEN DISEASE. Identifiers: Orphanet 636, MedGen C0027831, MONDO:0018975, OMIM 162200. Disease mechanism: loss of function.
NF1-related disorder. Also called: NF1-related condition. Identifiers: MedGen CN379171.

Submissions (2):

Labcorp Genetics (formerly Invitae), Labcorp
Classification: Likely benign for Neurofibromatosis, type 1. Last evaluated: 2024-07-23. Review status: criteria provided, single submitter. Criteria: Invitae Variant Classification Sherloc (09022015). Collection method: clinical testing. Allele origin: germline.

PreventionGenetics, part of Exact Sciences
Classification: Likely benign for NF1-related condition. Last evaluated: 2024-06-21. Review status: no assertion criteria provided. Collection method: clinical testing. Allele origin: germline. Not counted in ClinVar's aggregate classification.
Comment: This variant is classified as likely benign based on ACMG/AMP sequence variant interpretation guidelines (Richards et al. 2015 PMID: 25741868, with internal and published modifications).

NM_001042492.3(NF1):c.2991-19T>C

Gene: NF1 (neurofibromin 1; plus strand). Cytogenetic location: 17q11.2.
Variant type: single nucleotide variant.
Coding change: c.2991-19T>C on transcript NM_001042492.3 (MANE Select); 19 bases into the intron before coding-DNA position 2991, T replaced by C.
Molecular consequence: intron variant.
Genome position (GRCh38, 1-based): chr17:31,230,241, T>C. VCF-style: chr17-31230241-T-C. GRCh37 (hg19) VCF-style: chr17-29557259-T-C.
Other names: c.2991-19T>C (NM_000267.4).
Identifiers: ClinVar variation 2123335 (VCV002123335.5), dbSNP rs2151431421, ClinGen allele CA2580092779.